The following is an entry in ClinVar:

ClinVar aggregate classification (germline): Uncertain significance. Review status: criteria provided, multiple submitters, no conflicts (2 of 4 stars). 2 submissions from 2 submitters: Uncertain significance (2). Last evaluated 2022-02-24.

Conditions:
Nemaline myopathy 2 (NEM2). Also called: Nemaline myopathy 2, autosomal recessive. Identifiers: MedGen C1850569, MONDO:0009725, OMIM 256030.

Allele frequency attached by ClinVar (database versions not stated): gnomAD exomes below 0.00001.
gnomAD v4.1: 1 of 1,613,972 alleles (0.000062%); highest among the groups gnomAD compares: East Asian, 0.0022%; no homozygotes.

Submissions (2):

Labcorp Genetics (formerly Invitae), Labcorp
Classification: Uncertain significance for Nemaline myopathy 2. Last evaluated: 2022-02-24. Review status: criteria provided, single submitter. Criteria: Invitae Variant Classification Sherloc (09022015). Collection method: clinical testing. Allele origin: germline.
Comment: This sequence change replaces alanine, which is neutral and non-polar, with serine, which is neutral and polar, at codon 3553 of the NEB protein (p.Ala3553Ser). This variant is not present in population databases (gnomAD no frequency). This variant has not been reported in the literature in individuals affected with NEB-related conditions. ClinVar contains an entry for this variant (Variation ID: 840927). Algorithms developed to predict the effect of missense changes on protein structure and function are either unavailable or do not agree on the potential impact of this missense change (SIFT: "Deleterious"; PolyPhen-2: "Not Available"; Align-GVGD: "Class C0"). In summary, the available evidence is currently insufficient to determine the role of this variant in disease. Therefore, it has been classified as a Variant of Uncertain Significance.

Revvity Omics, Revvity
Classification: Uncertain significance. Last evaluated: 2020-01-03. Review status: criteria provided, single submitter. Criteria: ACMG Guidelines, 2015. Collection method: clinical testing. Allele origin: germline.

NM_001164508.2(NEB):c.10657G>T (p.Ala3553Ser)

Gene: NEB (nebulin; minus strand). Cytogenetic location: 2q23.3.
Variant type: single nucleotide variant.
Coding change: c.10657G>T on transcript NM_001164508.2 (MANE Select); coding-DNA position 10657, G replaced by T.
Protein change: p.Ala3553Ser; replaces alanine 3553 with serine.
Molecular consequence: missense variant.
Genome position (GRCh38, 1-based): chr2:151,619,666, C>A on the plus strand (G>T on the coding strand, the complement: NEB is on the minus strand). VCF-style: chr2-151619666-C-A. GRCh37 (hg19) VCF-style: chr2-152476180-C-A.
Other names: c.10657G>T, p.Ala3553Ser (NM_001164507.2, NM_001271208.2); c.9928G>T, p.Ala3310Ser (NM_004543.5); short protein forms A3310S, A3553S.
Identifiers: ClinVar variation 840927 (VCV000840927.9), dbSNP rs1372803594, ClinGen allele CA348788487.